The following is an entry in ClinVar:

ClinVar aggregate classification (germline): Pathogenic (1 of 4 stars; one submission).

Conditions:
Duchenne muscular dystrophy (DMD). Also called: MUSCULAR DYSTROPHY, PSEUDOHYPERTROPHIC PROGRESSIVE, DUCHENNE TYPE; Duchenne Muscular Dystrophy (DMD). Identifiers: Orphanet 98896, MedGen C0013264, MONDO:0010679, OMIM 310200.

Submission:

Labcorp Genetics (formerly Invitae), Labcorp
Classification: Pathogenic for Duchenne muscular dystrophy. Last evaluated: 2019-11-07. Review status: criteria provided, single submitter. Criteria: Invitae Variant Classification Sherloc (09022015). Collection method: clinical testing. Allele origin: germline.
Comment: This variant is an out-of-frame deletion of the genomic region encompassing exons 49-52 of the DMD gene. This is expected to create a premature translational stop signal and result in an absent or disrupted protein product. Similar deletions of exons 49-52 have been reported in several individuals affected with DMD-related muscular dystrophy (PMID: 11409318, 22510846, 15723292, 18663755, 18683213, 27206868). Loss-of-function variants in DMD are known to be pathogenic (PMID: 16770791, 25007885). For these reasons, this variant has been classified as Pathogenic.

Literature cited by the submitters: PubMed 27206868; PubMed 22510846; PubMed 18683213; PubMed 18663755; PubMed 15723292; PubMed 11409318.

NC_000023.11:g.(?_31729621)_(31836829_?)del

Gene: DMD (dystrophin; minus strand). Cytogenetic location: Xp21.1.
Variant type: Deletion.
Identifiers: ClinVar variation 639383 (VCV000639383.2).